The following is an entry in ClinVar:

ClinVar aggregate classification (germline): Uncertain significance (1 of 4 stars; one submission).

Submission:

Labcorp Genetics (formerly Invitae), Labcorp
Classification: Uncertain significance. Last evaluated: 2022-10-17. Review status: criteria provided, single submitter. Criteria: Invitae Variant Classification Sherloc (09022015). Collection method: clinical testing. Allele origin: germline.
Comment: This sequence change replaces serine, which is neutral and polar, with threonine, which is neutral and polar, at codon 64 of the APOPT1 protein (p.Ser64Thr). This variant is not present in population databases (gnomAD no frequency). This variant has not been reported in the literature in individuals affected with APOPT1-related conditions. Algorithms developed to predict the effect of missense changes on protein structure and function are either unavailable or do not agree on the potential impact of this missense change (SIFT: "Tolerated"; PolyPhen-2: "Probably Damaging"; Align-GVGD: "Class C0"). In summary, the available evidence is currently insufficient to determine the role of this variant in disease. Therefore, it has been classified as a Variant of Uncertain Significance.

NM_001370595.2(COA8):c.151T>A (p.Ser51Thr)

Gene: COA8 (cytochrome c oxidase assembly factor 8; plus strand). Cytogenetic location: 14q32.33.
Variant type: single nucleotide variant.
Coding change: c.151T>A on transcript NM_001370595.2 (MANE Select); coding-DNA position 151, T replaced by A.
Protein change: p.Ser51Thr; replaces serine 51 with threonine.
Molecular consequence: missense variant. On other transcripts: non-coding transcript variant (2).
Genome position (GRCh38, 1-based): chr14:103,571,650, T>A. VCF-style: chr14-103571650-T-A. GRCh37 (hg19) VCF-style: chr14-104037987-T-A.
Other names: c.151T>A, p.Ser51Thr (NM_001302653.2, NM_001302654.2); c.190T>A, p.Ser64Thr (NM_032374.4); short protein forms S51T, S64T.
Identifiers: ClinVar variation 1935659 (VCV001935659.2), dbSNP rs1595139216, ClinGen allele CA391112894.